The following is an entry in ClinVar:

ClinVar aggregate classification (germline): Uncertain significance (1 of 4 stars; one submission).

Conditions:
Early-infantile DEE. Also called: Early infantile epileptic encephalopathy; Early infantile epileptic encephalopathy with suppression bursts; Ohtahara syndrome. Identifiers: Orphanet 1934, MedGen C0393706, MONDO:0800491.

Submission:

Labcorp Genetics (formerly Invitae), Labcorp
Classification: Uncertain significance for Early-infantile DEE. Last evaluated: 2023-10-17. Review status: criteria provided, single submitter. Criteria: Invitae Variant Classification Sherloc (09022015). Collection method: clinical testing. Allele origin: germline.
Comment: This sequence change replaces glycine, which is neutral and non-polar, with cysteine, which is neutral and slightly polar, at codon 257 of the ARHGEF15 protein (p.Gly257Cys). This variant is not present in population databases (gnomAD no frequency). This variant has not been reported in the literature in individuals affected with ARHGEF15-related conditions. An algorithm developed to predict the effect of missense changes on protein structure and function (PolyPhen-2) suggests that this variant is likely to be disruptive. In summary, the available evidence is currently insufficient to determine the role of this variant in disease. Therefore, it has been classified as a Variant of Uncertain Significance.

NM_173728.4(ARHGEF15):c.769G>T (p.Gly257Cys)

Gene: ARHGEF15 (Rho guanine nucleotide exchange factor 15; plus strand). Cytogenetic location: 17p13.1.
Variant type: single nucleotide variant.
Coding change: c.769G>T on transcript NM_173728.4 (MANE Select); coding-DNA position 769, G replaced by T.
Protein change: p.Gly257Cys; replaces glycine 257 with cysteine.
Molecular consequence: missense variant.
Genome position (GRCh38, 1-based): chr17:8,313,089, G>T. VCF-style: chr17-8313089-G-T. GRCh37 (hg19) VCF-style: chr17-8216407-G-T.
Other names: c.769G>T, p.Gly257Cys (NM_025014.2); short protein forms G257C.
Identifiers: ClinVar variation 2789911 (VCV002789911.3), dbSNP rs758268978, ClinGen allele CA398016103.
Genomic context (GRCh38, chr17:8,313,089, plus strand): 5'-GTCCCCCGTCGGGCCTCCCCGCTGCGGACCTCTCGCTCCCGCCCCCACCCTCCAAGCATC[G>T]GTCACCCTGCCGTTGTCCTCACATCCTACCGCTCCACTGCTGAGCGCAAACTCCTGCCAC-3'
Protein context (NP_776089.2, residues 247-267): SRSRPHPPSI[Gly257Cys]HPAVVLTSYR